The following is an entry in ClinVar:

NM_001009944.3(PKD1):c.8646G>A (p.Trp2882Ter)

Gene: PKD1 (polycystin 1, transient receptor potential channel interacting; minus strand). Cytogenetic location: 16p13.3.
Variant type: single nucleotide variant.
Coding change: c.8646G>A on transcript NM_001009944.3 (MANE Select); coding-DNA position 8646, G replaced by A.
Protein change: p.Trp2882Ter; replaces tryptophan 2882 with a stop codon.
Molecular consequence: nonsense.
Genome position (GRCh38, 1-based): chr16:2,103,411, C>T on the plus strand (G>A on the coding strand, the complement: PKD1 is on the minus strand). VCF-style: chr16-2103411-C-T. GRCh37 (hg19) VCF-style: chr16-2153412-C-T.
Other names: c.8646G>A, p.Trp2882Ter (NM_000296.4); short protein forms W2882*.
Identifiers: ClinVar variation 3335834 (VCV003335834.2).
Genomic context (GRCh38, chr16:2,103,411, plus strand): 5'-CTGGGGCTGGACCACAACGGAGTTGGCGGAGTTGGCGGAGCTGCGGTGGCCCCGGGCAGC[C>T]CAGTCCGAGTTGTTGGGCACCTTCACGGTGATGGCGCGCTCTGAGGCCAGCCGCTCGATG-3'

ClinVar aggregate classification (germline): Pathogenic (1 of 4 stars; one submission).

Conditions:
Polycystic kidney disease, adult type (PKD1). Also called: Polycystic Kidney, Autosomal Dominant; POLYCYSTIC KIDNEY DISEASE 1 WITH OR WITHOUT POLYCYSTIC LIVER DISEASE; POLYCYSTIC KIDNEY DISEASE, ADULT, TYPE I; Polycystic Kidney Disease 1, Autosomal Dominant; Polycystic kidney disease 1; Polycystic kidney disease 1, severe. Identifiers: MedGen C3149841, MONDO:0008263, OMIM 173900.

Submission:

Juno Genomics, Hangzhou Juno Genomics, Inc
Classification: Pathogenic for Polycystic kidney disease, adult type. Review status: criteria provided, single submitter. Criteria: ACMG Guidelines, 2015. Collection method: clinical testing. Allele origin: germline. Affected: yes.
Comment: Null variant in a gene where loss of function (LOF) is a known mechanism of disease.;Absent from controls (or at extremely low frequency if recessive) in Genome Aggregation Database, Exome Sequencing Project, 1000 Genomes Project, or Exome Aggregation Consortium.;Patient's phenotype or family history is highly specific for a disease with a single genetic etiology.